The following is an entry in ClinVar:

NM_020975.6(RET):c.1889G>A (p.Cys630Tyr)

Gene: RET (ret proto-oncogene; plus strand). Cytogenetic location: 10q11.21.
Variant type: single nucleotide variant.
Coding change: c.1889G>A on transcript NM_020975.6 (MANE Select); coding-DNA position 1889, G replaced by A.
Protein change: p.Cys630Tyr; replaces cysteine 630 with tyrosine.
Molecular consequence: missense variant.
Genome position (GRCh38, 1-based): chr10:43,114,489, G>A. VCF-style: chr10-43114489-G-A. GRCh37 (hg19) VCF-style: chr10-43609937-G-A.
Other names: c.1889G>A, p.Cys630Tyr (NM_000323.2, NM_001406743.1, NM_001406744.1 and 4 more transcripts); c.1127G>A, p.Cys376Tyr (NM_001355216.2); c.1760G>A, p.Cys587Tyr (NM_001406761.1, NM_001406762.1, NM_001406764.1); c.1601G>A, p.Cys534Tyr (NM_001406766.1, NM_001406767.1, NM_001406770.1); c.1493G>A, p.Cys498Tyr (NM_001406769.1, NM_001406772.1); c.1451G>A, p.Cys484Tyr (NM_001406771.1, NM_001406773.1); c.1364G>A, p.Cys455Tyr (NM_001406774.1); c.1163G>A, p.Cys388Tyr (NM_001406775.1, NM_001406776.1, NM_001406777.1 and 1 more transcripts); and 7 more; short protein forms C376Y, C195Y, C291Y, C388Y, C587Y, C147Y, C235Y, C331Y.
Identifiers: ClinVar variation 24909 (VCV000024909.16), dbSNP rs377767405, ClinGen allele CA008154.

ClinVar aggregate classification (germline): Pathogenic. Review status: criteria provided, multiple submitters, no conflicts (2 of 4 stars). 5 submissions from 5 submitters: Pathogenic (5). Last evaluated 2025-04-23.

Conditions:
Hereditary cancer-predisposing syndrome. Also called: Neoplastic Syndromes, Hereditary; Tumor predisposition; Hereditary Cancer Syndrome; Hereditary neoplastic syndrome. Identifiers: Orphanet 140162, MedGen C0027672, MeSH D009386, MONDO:0015356.
Multiple endocrine neoplasia, type 2 (MEN2). Identifiers: Orphanet 653, MedGen C4048306, MONDO:0019003. Disease mechanism: gain of function.
Multiple endocrine neoplasia type 2A. Also called: MULTIPLE ENDOCRINE NEOPLASIA, TYPE IIA; PTC SYNDROME; SIPPLE SYNDROME; MEN 2A; MEN-2A syndrome; Pheochromocytoma and amyloid producing medullary thyroid carcinoma. Identifiers: Orphanet 247698, Orphanet 653, MedGen C0025268, MeSH D018813, MONDO:0008234, OMIM 171400.

Submissions (5):

Labcorp Genetics (formerly Invitae), Labcorp
Classification: Pathogenic for Multiple endocrine neoplasia, type 2. Last evaluated: 2025-04-23. Review status: criteria provided, single submitter. Criteria: Invitae Variant Classification Sherloc (09022015). Collection method: clinical testing. Allele origin: germline.
Comment: This sequence change replaces cysteine, which is neutral and slightly polar, with tyrosine, which is neutral and polar, at codon 630 of the RET protein (p.Cys630Tyr). This variant is not present in population databases (gnomAD no frequency). This missense change has been observed in individuals with medullary thyroid cancer (PMID: 9223675, 17527003, 21054478). It has also been observed to segregate with disease in related individuals. ClinVar contains an entry for this variant (Variation ID: 24909). An algorithm developed to predict the effect of missense changes on protein structure and function (PolyPhen-2) suggests that this variant is likely to be disruptive. This variant disrupts the p.Cys630 amino acid residue in RET. Other variant(s) that disrupt this residue have been determined to be pathogenic (PMID: 14561794, 15523405, 16053382, 25440022). This suggests that this residue is clinically significant, and that variants that disrupt this residue are likely to be disease-causing. For these reasons, this variant has been classified as Pathogenic.

Mayo Clinic Laboratories, Mayo Clinic
Classification: Pathogenic. Last evaluated: 2024-04-05. Review status: criteria provided, single submitter. Criteria: ACMG Guidelines, 2015. Collection method: clinical testing. Allele origin: germline. Observed: 2 variant alleles.
Comment: PP3, PP4, PP5, PM1, PM2_moderate, PM5, PS4_moderate

ARUP Laboratories, Molecular Genetics and Genomics, ARUP Laboratories
Classification: Pathogenic. Last evaluated: 2024-03-06. Review status: criteria provided, single submitter. Criteria: ARUP Molecular Germline Variant Investigation Process 2024. Collection method: clinical testing. Allele origin: germline.
Comment: The RET c.1889G>A p.Cys630Tyr variant (rs377767405; ClinVar Variation ID: 24909) has been described in the literature in multiple individuals and families with medullary thyroid cancer (MTC) (Kitamura 1997, Yonekawa 2007, Romei 2010, Elisei 2019) and is considered by the American Thyroid Association to impart a â€œmoderateâ€ lifetime risk of developing MTC (Wells 2015). It is absent from the Genome Aggregation Database (v2.1.1), indicating it is not a common polymorphism. This variant lies within a cysteine rich domain; pathogenic variants resulting in the loss of a cysteine residue are common in these repeats and are predicted to disrupt protein structure, resulting in aberrant activation of the RET protein (Amoresano 2005, Chappuis-Flament 1998, Ito 1997). Computational analyses also predict that this variant is deleterious (REVEL: 0.783). Based on available information, this variant is considered to be pathogenic. References: Amoresano A et al. Direct interactions among Ret, GDNF and GFRalpha1 molecules reveal new insights into the assembly of a functional three-protein complex. Cell Signal. 2005 Jun;17(6):717-27. Chappuis-Flament S et al. Dual effect on the RET receptor of MEN 2 mutations affecting specific extracytoplasmic cysteines. Oncogene. 1998 Dec 3;17(22):2851-61. Elisei R et al. Twenty-Five Years Experience on RET Genetic Screening on Hereditary MTC: An Update on The Prevalence of Germline RET Mutations. Genes (Basel). 2019 Sep 10;10(9):698. PMID: 31510104 Ito S et al. Biological properties of Ret with cysteine mutations correlate with multiple endocrine neoplasia type 2A, familial medullary thyroid carcinoma, and Hirschsprung's disease phenotype. Cancer Res. 1997 Jul 15;57(14):2870-2. Kitamura Y et al. Novel germline RET proto-oncogene mutations associated with medullary thyroid carcinoma (MTC): mutation analysis in Japanese patients with MTC. Oncogene. 1997 Jun 26;14(25):3103-6. PMID: 9223675. Romei C et al. Multiple endocrine neoplasia type 2 syndromes (MEN 2): results from the ItaMEN network analysis on the prevalence of different genotypes and phenotypes. Eur J Endocrinol. 2010 Aug;163(2):301-8. PMID: 20516206 Wells SA et al. Revised American Thyroid Association guidelines for the management of medullary thyroid carcinoma. Thyroid. 2015 Jun;25(6):567-610. PMID: 25810047 Yonekawa H et al. A family of multiple endocrine neoplasia type 2A (MEN 2A) with Cys630Tyr RET germline mutation: report of a case. Endocr J. 2007 Aug;54(4):531-5. PMID: 17527003.

Ambry Genetics
Classification: Pathogenic for Hereditary cancer-predisposing syndrome. Last evaluated: 2023-09-22. Review status: criteria provided, single submitter. Criteria: Ambry Variant Classification Scheme 2023. Collection method: clinical testing. Allele origin: germline.
Comment: The p.C630Y pathogenic mutation (also known as c.1889G>A), located in coding exon 11 of the RET gene, results from a G to A substitution at nucleotide position 1889. The cysteine at codon 630 is replaced by tyrosine, an amino acid with highly dissimilar properties. This pathogenic mutation has been reported in multiple families diagnosed with medullary thyroid cancer (MTC) (Kitamura Y et al. Oncogene. 1997 Jun;14:3103-6; Yonekawa H et al. Endocr. J. 2007 Aug;54:531-5; Romei C et al. Clin. Endocrinol. (Oxf), 2011 Feb;74:241-7). Per the American Thyroid Association, mutations at codon 630 of the RET gene are associated with a moderate risk for developing aggressive MTC and potential screening and/or surgical options are available (Kloos et al. Thyroid. 2009 Jun;19:565-612; Wells SA et al. Thyroid. 2015 Jun;25:567-610). This amino acid position is highly conserved in available vertebrate species. In addition, this alteration is predicted to be deleterious by in silico analysis. Based on the supporting evidence, this alteration is interpreted as a disease-causing mutation.

Myriad Genetics, Inc.
Classification: Pathogenic for Multiple endocrine neoplasia type 2A. Last evaluated: 2023-02-24. Review status: criteria provided, single submitter. Criteria: Myriad Autosomal Dominant, Autosomal Recessive and X-Linked Classification Criteria (2023). Collection method: clinical testing. Allele origin: unknown.
Comment: This variant is considered pathogenic. This variant has been reported in multiple individuals with clinical features of gene-specific disease [PMID: 17527003, 9223675, 20516206, 25810047]. Functional studies indicate this variant impacts protein function [PMID: 34905813, 10049754].

Literature cited by the submitters: PubMed 9223675 (cited by 4 submitters); PubMed 17527003 (cited by 3 submitters); PubMed 21054478 (cited by 3 submitters); PubMed 14561794 (cited by Labcorp Genetics (formerly Invitae), Labcorp); PubMed 15523405 (cited by Labcorp Genetics (formerly Invitae), Labcorp); PubMed 16053382 (cited by Labcorp Genetics (formerly Invitae), Labcorp); PubMed 25440022 (cited by Labcorp Genetics (formerly Invitae), Labcorp and Mayo Clinic Laboratories, Mayo Clinic); PubMed 17895320 (cited by Mayo Clinic Laboratories, Mayo Clinic and Ambry Genetics); PubMed 20516206 (cited by Mayo Clinic Laboratories, Mayo Clinic and Myriad Genetics, Inc.); PubMed 19469690 (cited by Ambry Genetics); PubMed 25810047 (cited by Ambry Genetics and Myriad Genetics, Inc.); PubMed 34905813 (cited by Myriad Genetics, Inc.); PubMed 10049754 (cited by Myriad Genetics, Inc.).